The following is an entry in ClinVar:

NM_194248.3(OTOF):c.2897T>G (p.Met966Arg)

Gene: OTOF (otoferlin; minus strand). Cytogenetic location: 2p23.3.
Variant type: single nucleotide variant.
Coding change: c.2897T>G on transcript NM_194248.3 (MANE Select); coding-DNA position 2897, T replaced by G.
Protein change: p.Met966Arg; replaces methionine 966 with arginine.
Molecular consequence: missense variant.
Genome position (GRCh38, 1-based): chr2:26,476,008, A>C on the plus strand (T>G on the coding strand, the complement: OTOF is on the minus strand). VCF-style: chr2-26476008-A-C. GRCh37 (hg19) VCF-style: chr2-26698876-A-C.
Other names: c.2897T>G, p.Met966Arg (NM_001287489.2); c.656T>G, p.Met219Arg (NM_004802.4, NM_194323.3); c.827T>G, p.Met276Arg (NM_194322.3); short protein forms M219R, M276R, M966R.
Identifiers: ClinVar variation 4879960 (VCV004879960.1).

ClinVar aggregate classification (germline): VUS-high (0 of 4 stars; one submission).

Conditions:
Autosomal recessive nonsyndromic hearing loss 9. Also called: NEUROSENSORY NONSYNDROMIC RECESSIVE DEAFNESS 9; OTOF-Related Hearing Loss; Deafness, autosomal recessive 9; AUDITORY NEUROPATHY, AUTOSOMAL RECESSIVE, 1, TEMPERATURE-SENSITIVE. Identifiers: Orphanet 90636, MedGen C1832828, MONDO:0010986, OMIM 601071.

gnomAD v4.1: 1 of 1,612,560 alleles (0.000062%); no homozygotes.

Submission:

Diagnosis and Treatment Center of Genetic Hearing Loss, Eye & ENT Hospital of Fudan University
Classification: VUS-high for Autosomal recessive nonsyndromic hearing loss 9. Last evaluated: 2026-02-04. Review status: no assertion criteria provided. Collection method: clinical testing. Allele origin: germline. Inheritance: Autosomal recessive inheritance. Affected: yes.
Comment: The c.2897T>G missense variant in OTOF is absent from population databases (PM2_Supporting). It was found in trans with likely pathogenic c.1803+2T>C (PM3). The REVEL score is 0.785 (PP3).